The following is an entry in ClinVar:

ClinVar aggregate classification (germline): Pathogenic/Likely pathogenic. Review status: criteria provided, multiple submitters, no conflicts (2 of 4 stars). 5 submissions from 5 submitters: Pathogenic (4); Likely pathogenic (1). Last evaluated 2025-01-08.

Conditions:
Autosomal dominant intellectual disability-craniofacial anomalies-cardiac defects syndrome (ARTHS). Also called: Arboleda-Tham syndrome; Mental retardation, autosomal dominant 32; KAT6A syndrome. Identifiers: Orphanet 457193, MedGen C4225396, MONDO:0014558, OMIM 616268.

Submissions (5):

3billion
Classification: Pathogenic for Autosomal dominant intellectual disability-craniofacial anomalies-cardiac defects syndrome. Last evaluated: 2025-01-08. Review status: criteria provided, single submitter. Criteria: ACMG Guidelines, 2015. Collection method: clinical testing. Allele origin: germline. Affected: yes.
Comment: The variant is not observed in the gnomAD v4.1.0 dataset. Predicted Consequence/Location: Stop-gained (nonsense): predicted to result in a loss or disruption of normal protein function through nonsense-mediated decay (NMD) or protein truncation. Multiple pathogenic variants are reported downstream of the variant. The variant has been previously reported as de novo in a similarly affected individual (PMID: 30245513). The variant has been reported at least twice as pathogenic with clinical assertions and evidence for the classification (ClinVar ID: VCV000489323 /PMID: 30245513). Therefore, this variant is classified as Pathogenic according to the recommendation of ACMG/AMP guideline.

GeneDx
Classification: Pathogenic. Last evaluated: 2023-06-26. Review status: criteria provided, single submitter. Criteria: GeneDx Variant Classification Process June 2021. Collection method: clinical testing. Allele origin: germline. Affected: yes.
Comment: Nonsense variant predicted to result in protein truncation or nonsense mediated decay in a gene for which loss of function is a known mechanism of disease; Not observed at significant frequency in large population cohorts (gnomAD); This variant is associated with the following publications: (PMID: 30245513)

Institute of Medical Genetics and Applied Genomics, University Hospital Tübingen
Classification: Pathogenic. Last evaluated: 2020-10-23. Review status: criteria provided, single submitter. Criteria: ACMG Guidelines, 2015. Collection method: clinical testing. Allele origin: germline. Inheritance: Autosomal dominant inheritance. Affected: yes.

Centre for Mendelian Genomics, University Medical Centre Ljubljana
Classification: Likely pathogenic for Autosomal dominant intellectual disability-craniofacial anomalies-cardiac defects syndrome. Last evaluated: 2020-01-30. Review status: criteria provided, single submitter. Criteria: ACMG Guidelines, 2015. Collection method: clinical testing. Allele origin: unknown. Affected: yes.
Comment: This variant was classified as: Likely pathogenic. The following ACMG criteria were applied in classifying this variant: PVS1,PM2.

Revvity Omics, Revvity
Classification: Pathogenic for Autosomal dominant intellectual disability-craniofacial anomalies-cardiac defects syndrome. Last evaluated: 2019-05-21. Review status: criteria provided, single submitter. Criteria: ACMG Guidelines, 2015. Collection method: clinical testing. Allele origin: germline.

Literature cited by the submitters: PubMed 30245513 (cited by 3billion).

NM_006766.5(KAT6A):c.949C>T (p.Arg317Ter)

Gene: KAT6A (lysine acetyltransferase 6A; minus strand). Cytogenetic location: 8p11.21.
Variant type: single nucleotide variant.
Coding change: c.949C>T on transcript NM_006766.5 (MANE Select); coding-DNA position 949, C replaced by T.
Protein change: p.Arg317Ter; replaces arginine 317 with a stop codon.
Molecular consequence: nonsense.
Genome position (GRCh38, 1-based): chr8:41,978,736, G>A on the plus strand (C>T on the coding strand, the complement: KAT6A is on the minus strand). VCF-style: chr8-41978736-G-A. GRCh37 (hg19) VCF-style: chr8-41836254-G-A.
Other names: c.949C>T, p.Arg317Ter (NM_001305878.2); short protein forms R317*.
Identifiers: ClinVar variation 489323 (VCV000489323.13), dbSNP rs1554688879, ClinGen allele CA371076774.
Genomic context (GRCh38, chr8:41,978,736, plus strand): 5'-GTCCTATTGGATTAGTATAGCGCCGTTTTATCTGTGCTGCCTTCTTTTGTAGAAGTTTTC[G>A]TCCTTTTTTCCTAGGTCGACATATTTGACATATCCACATGCCTATAAAAAAATAAAATTC-3'